The following is an entry in ClinVar:

ClinVar aggregate classification (germline): Uncertain significance (1 of 4 stars; one submission).

Conditions:
Cardiovascular phenotype. Identifiers: MedGen CN230736.

Submission:

Ambry Genetics
Classification: Uncertain significance for Cardiovascular phenotype. Last evaluated: 2024-04-26. Review status: criteria provided, single submitter. Criteria: Ambry Variant Classification Scheme 2023. Collection method: clinical testing. Allele origin: germline.
Comment: The p.A679D variant (also known as c.2036C>A), located in coding exon 14 of the APOB gene, results from a C to A substitution at nucleotide position 2036. The alanine at codon 679 is replaced by aspartic acid, an amino acid with dissimilar properties. This amino acid position is conserved. In addition, this alteration is predicted to be tolerated by in silico analysis. Based on the available evidence, the clinical significance of this variant remains unclear.

NM_000384.3(APOB):c.2036C>A (p.Ala679Asp)

Gene: APOB (apolipoprotein B; minus strand). Cytogenetic location: 2p24.1.
Variant type: single nucleotide variant.
Coding change: c.2036C>A on transcript NM_000384.3 (MANE Select); coding-DNA position 2036, C replaced by A.
Protein change: p.Ala679Asp; replaces alanine 679 with aspartic acid.
Molecular consequence: missense variant.
Genome position (GRCh38, 1-based): chr2:21,027,859, G>T on the plus strand (C>A on the coding strand, the complement: APOB is on the minus strand). VCF-style: chr2-21027859-G-T. GRCh37 (hg19) VCF-style: chr2-21250731-G-T.
Other names: short protein forms A679D.
Identifiers: ClinVar variation 3307808 (VCV003307808.1).